The following is an entry in ClinVar:

ClinVar aggregate classification (germline): Uncertain significance. Review status: criteria provided, multiple submitters, no conflicts (2 of 4 stars). 9 submissions from 5 submitters: Uncertain significance (9). Last evaluated 2023-12-15.

Conditions:
Hypokalemic periodic paralysis, type 1. Also called: HypoPP; Hypokalemic Periodic Paralysis Type 1 (AD). Identifiers: Orphanet 681, MedGen C3714580, MONDO:0042979, OMIM 170400.
Hypokalemic periodic paralysis, type 2 (HOKPP2). Identifiers: Orphanet 681, MedGen C2750061, MONDO:0013234, OMIM 613345.
Congenital myasthenic syndrome 16. Identifiers: Orphanet 590, MedGen C3280112, MONDO:0013620, OMIM 614198.
Paramyotonia congenita of Von Eulenburg. Also called: Paramyotonia Congenita; PARALYSIS PERIODICA PARAMYOTONICA; Eulenburg disease; Myotonia congenita intermittens; Von Eulenburg paramyotonia congenita. Identifiers: Orphanet 684, MedGen C0221055, MONDO:0008195, OMIM 168300. Disease mechanism: loss of function.
Hyperkalemic periodic paralysis. Also called: Familial hyperkalemic periodic paralysis; Gamstorp disease. Identifiers: Orphanet 682, MedGen C0238357, MONDO:0008224, OMIM 170500, HP:0007215.
Potassium-aggravated myotonia. Also called: Myotonia congenita, atypical, acetazolamide-responsive; MYOTONIA CONGENITA, ACETAZOLAMIDE-RESPONSIVE; MYOTONIA CONGENITA, ATYPICAL; SODIUM CHANNEL MUSCLE DISEASE. Identifiers: Orphanet 612, Orphanet 99734, Orphanet 99735, Orphanet 99736, MedGen C2931826, MONDO:0018959, OMIM 608390.

Allele frequency attached by ClinVar (database versions not stated): gnomAD 0.00004; gnomAD exomes 0.00002; TOPMed 0.00003.
gnomAD v4.1: 40 of 1,610,650 alleles (0.0025%); highest among the groups gnomAD compares: East Asian, 0.0089%; no homozygotes.

Submissions (9):

Labcorp Genetics (formerly Invitae), Labcorp
Classification: Uncertain significance for Hyperkalemic periodic paralysis. Last evaluated: 2023-12-15. Review status: criteria provided, single submitter. Criteria: Invitae Variant Classification Sherloc (09022015). Collection method: clinical testing. Allele origin: germline.
Comment: This sequence change replaces glycine, which is neutral and non-polar, with arginine, which is basic and polar, at codon 69 of the SCN4A protein (p.Gly69Arg). This variant is present in population databases (no rsID available, gnomAD 0.004%). This variant has not been reported in the literature in individuals affected with SCN4A-related conditions. ClinVar contains an entry for this variant (Variation ID: 324553). Advanced modeling of protein sequence and biophysical properties (such as structural, functional, and spatial information, amino acid conservation, physicochemical variation, residue mobility, and thermodynamic stability) has been performed at Invitae for this missense variant, however the output from this modeling did not meet the statistical confidence thresholds required to predict the impact of this variant on SCN4A protein function. In summary, the available evidence is currently insufficient to determine the role of this variant in disease. Therefore, it has been classified as a Variant of Uncertain Significance.

Women's Health and Genetics/Laboratory Corporation of America, LabCorp
Classification: Uncertain significance. Last evaluated: 2023-10-26. Review status: criteria provided, single submitter. Criteria: LabCorp Variant Classification Summary - May 2015. Collection method: clinical testing. Allele origin: germline.
Comment: Variant summary: SCN4A c.205G>A (p.Gly69Arg) results in a non-conservative amino acid change in the encoded protein sequence. Four of five in-silico tools predict a damaging effect of the variant on protein function. The variant was absent in 242904 control chromosomes (gnomAD). The available data on variant occurrences in the general population are insufficient to allow any conclusion about variant significance. c.205G>A has been reported in the literature in at least one individual affected with Non-dystrophic Myotonia (Ivanova_2018; no PMID). This report does not provide unequivocal conclusions about association of the variant with Acetazolamide-Responsive Myotonia. To our knowledge, no experimental evidence demonstrating an impact on protein function has been reported. Three submitters have cited clinical-significance assessments for this variant to ClinVar after 2014. All submitters classified the variant as uncertain significance. Based on the evidence outlined above, the variant was classified as uncertain significance.

Clinical Genetics Laboratory, Skane University Hospital Lund
Classification: Uncertain significance. Last evaluated: 2023-06-22. Review status: criteria provided, single submitter. Criteria: ACMG Guidelines, 2015. Collection method: clinical testing. Allele origin: germline. Affected: yes.

Fulgent Genetics
Classification: Uncertain significance for Paramyotonia congenita of Von Eulenburg; Hypokalemic periodic paralysis, type 1; Hyperkalemic periodic paralysis; Potassium-aggravated myotonia; Hypokalemic periodic paralysis, type 2; Congenital myasthenic syndrome 16. Last evaluated: 2022-03-25. Review status: criteria provided, single submitter. Criteria: ACMG Guidelines, 2015. Collection method: clinical testing. Allele origin: unknown.

Illumina Laboratory Services, Illumina
Classification: Uncertain significance for Potassium-aggravated myotonia. Last evaluated: 2018-01-12. Review status: criteria provided, single submitter. Criteria: ICSL Variant Classification Criteria 13 December 2019. Collection method: clinical testing. Allele origin: germline.

Illumina Laboratory Services, Illumina
Classification: Uncertain significance for Hypokalemic periodic paralysis, type 2. Last evaluated: 2018-01-12. Review status: criteria provided, single submitter. Criteria: ICSL Variant Classification Criteria 13 December 2019. Collection method: clinical testing. Allele origin: germline.

Illumina Laboratory Services, Illumina
Classification: Uncertain significance for Paramyotonia congenita of Von Eulenburg. Last evaluated: 2018-01-12. Review status: criteria provided, single submitter. Criteria: ICSL Variant Classification Criteria 13 December 2019. Collection method: clinical testing. Allele origin: germline.

Illumina Laboratory Services, Illumina
Classification: Uncertain significance for Hyperkalemic periodic paralysis. Last evaluated: 2018-01-12. Review status: criteria provided, single submitter. Criteria: ICSL Variant Classification Criteria 13 December 2019. Collection method: clinical testing. Allele origin: germline.

Illumina Laboratory Services, Illumina
Classification: Uncertain significance for Congenital myasthenic syndrome 16. Last evaluated: 2018-01-12. Review status: criteria provided, single submitter. Criteria: ICSL Variant Classification Criteria 13 December 2019. Collection method: clinical testing. Allele origin: germline.

NM_000334.4(SCN4A):c.205G>A (p.Gly69Arg)

Gene: SCN4A (sodium voltage-gated channel alpha subunit 4; minus strand). Cytogenetic location: 17q23.3.
Variant type: single nucleotide variant.
Coding change: c.205G>A on transcript NM_000334.4 (MANE Select); coding-DNA position 205, G replaced by A.
Protein change: p.Gly69Arg; replaces glycine 69 with arginine.
Molecular consequence: missense variant.
Genome position (GRCh38, 1-based): chr17:63,972,637, C>T on the plus strand (G>A on the coding strand, the complement: SCN4A is on the minus strand). VCF-style: chr17-63972637-C-T. GRCh37 (hg19) VCF-style: chr17-62049997-C-T.
Other names: short protein forms G69R.
Identifiers: ClinVar variation 324553 (VCV000324553.18), dbSNP rs886053249, ClinGen allele CA10650663.
Genomic context (GRCh38, chr17:63,972,637, plus strand): 5'-TGCTGTAGTAGGGATCCAGGTCCTCCAGGGGGATGCCGATGACCTCCGGCGGGGGGTCTC[C>T]GTAGATCATGGGTAGGTTCTTGCCAGCCTCCAAGTCACTTCGTGGCTTCCGTTCGGGCTC-3'
Protein context (NP_000325.4, residues 59-79): EAGKNLPMIY[Gly69Arg]DPPPEVIGIP